The following is an entry in ClinVar:

ClinVar aggregate classification (germline): Uncertain significance. Review status: criteria provided, multiple submitters, no conflicts (2 of 4 stars). 8 submissions from 8 submitters: Uncertain significance (6). 2 of the submissions do not count toward it. Last evaluated 2026-02-17.

Conditions:
Primary dilated cardiomyopathy (DCM). Also called: Dilated Cardiomyopathy. Identifiers: Orphanet 217604, MedGen C0007193, MeSH D002311, MONDO:0005021, HP:0001644. Inheritance: Various modes of inheritance.
Glucocorticoid deficiency 5. Identifiers: MedGen C4540522, MONDO:0040502, OMIM 617825.
Cardiovascular phenotype. Identifiers: MedGen CN230736.

Allele frequency attached by ClinVar (database versions not stated): ExAC 0.00011; TOPMed 0.00015; gnomAD 0.00016; ESP Exome Variant Server 0.00024.
gnomAD v4.1: 506 of 1,613,538 alleles (0.031%); highest among the groups gnomAD compares: Non-Finnish European, 0.042%; 1 homozygote.

Submissions (11):

Petrovsky National Research Centre of Surgery, The Federal Agency for Scientific Organizations
Classification: Uncertain significance for Primary dilated cardiomyopathy. Last evaluated: 2026-02-17. Review status: criteria provided, single submitter. Criteria: ACMG Guidelines, 2015. Collection method: clinical testing. Allele origin: germline. Affected: yes. Observed: 1 variant allele.
Comment: The variant is in The Genome Aggregation Database (gnomAD) v4.1.0 with total 0.0003136. (Date of access 2026-02-17). In accordance with ACMG (2015) criteria this variant is classified as Uncertain significance with following criteria selected: PM2, PVS1_Moderate, PS4_Supporting.

GeneDx
Classification: Uncertain significance. Last evaluated: 2026-01-14. Review status: criteria provided, single submitter. Criteria: GeneDx Variant Classification Process June 2021. Collection method: clinical testing. Allele origin: germline. Affected: yes.
Comment: Canonical splice site variant with an unclear effect on protein function; Has not been previously published as pathogenic or benign in association with a TXNRD2-related disorder to our knowledge; Variants in candidate genes are classified as variants of uncertain significance in accordance with ACMG guidelines (PMID: 25741868); This variant is associated with the following publications: (PMID: 36270459)

Labcorp Genetics (formerly Invitae), Labcorp
Classification: Uncertain significance for Primary dilated cardiomyopathy. Last evaluated: 2025-11-11. Review status: criteria provided, single submitter. Criteria: Invitae Variant Classification Sherloc (09022015). Collection method: clinical testing. Allele origin: germline.
Comment: This sequence change affects a donor splice site in intron 7 of the TXNRD2 gene. It is expected to disrupt RNA splicing. Variants that disrupt the donor or acceptor splice site typically lead to a loss of protein function (PMID: 16199547), however the current clinical and genetic evidence is not sufficient to establish whether loss-of-function variants in TXNRD2 cause disease. This variant is present in population databases (rs200610775, gnomAD 0.03%). This variant has not been reported in the literature in individuals affected with TXNRD2-related conditions. ClinVar contains an entry for this variant (Variation ID: 666196). Algorithms developed to predict the effect of sequence changes on RNA splicing suggest that this variant may disrupt the consensus splice site. In summary, the available evidence is currently insufficient to determine the role of this variant in disease. Therefore, it has been classified as a Variant of Uncertain Significance.

Ambry Genetics
Classification: Uncertain significance for Cardiovascular phenotype. Last evaluated: 2024-11-12. Review status: criteria provided, single submitter. Criteria: Ambry Variant Classification Scheme 2023. Collection method: clinical testing. Allele origin: germline.
Comment: The c.591+1G>C intronic variant results from a G to C substitution one nucleotide after coding exon 7 of the TXNRD2 gene. This nucleotide position is highly conserved in available vertebrate species. In silico splice site analysis predicts that this alteration will weaken the native splice donor site. Alterations that disrupt the canonical splice site are expected to cause aberrant splicing, resulting in an abnormal protein or a transcript that is subject to nonsense-mediated mRNA decay. However, loss of function of TXNRD2 has not been clearly established as a mechanism of disease. The evidence for this gene-disease relationship is limited; therefore, the clinical significance of this alteration is unclear.

Fulgent Genetics
Classification: Uncertain significance for Glucocorticoid deficiency 5. Last evaluated: 2021-11-11. Review status: criteria provided, single submitter. Criteria: ACMG Guidelines, 2015. Collection method: clinical testing. Allele origin: unknown.

Center for Genomics, Ann and Robert H. Lurie Children's Hospital of Chicago
Classification: Uncertain significance for Glucocorticoid deficiency 5. Last evaluated: 2021-03-30. Review status: criteria provided, single submitter. Criteria: ACMG Guidelines, 2015. Collection method: clinical testing. Allele origin: germline.
Comment: TXNRD2 NM_006440.4 exon 7 c.591+1G>C: This variant has not been reported in the literature and is present in 0.02% (29/127948) of European alleles in the Genome Aggregation Database. Evolutionary conservation and computational predictive tools for this variant are limited or unavailable. Of note, this variant alters the consensus splice sequence (+/- 1,2) which is predicted to result in an absent or abnormal protein. However, there is insufficient evidence to establish loss of function (LOF) as a mechanism of disease for this gene. In summary, data on this variant is insufficient for disease classification. Therefore, the clinical significance of this variant is uncertain.

Clinical Genetics DNA and cytogenetics Diagnostics Lab, Erasmus MC, Erasmus Medical Center
Classification: Uncertain significance. Review status: no assertion criteria provided. Collection method: clinical testing. Allele origin: germline. Affected: yes. Study: VKGL Data-share Consensus. Not counted in ClinVar's aggregate classification.

Diagnostic Laboratory, Department of Genetics, University Medical Center Groningen
Classification: Uncertain significance. Review status: no assertion criteria provided. Collection method: clinical testing. Allele origin: germline. Affected: yes. Study: VKGL Data-share Consensus. Not counted in ClinVar's aggregate classification.

Dr. Peter K. Rogan Lab, Western University
No classification provided (evidence only). Condition: Acute myeloid leukemia. Review status: no classification provided. Collection method: in vitro. Allele origin: not applicable. Functional consequence: retained intron. Not counted in ClinVar's aggregate classification.

Dr. Peter K. Rogan Lab, Western University
No classification provided (evidence only). Condition: Thymoma. Review status: no classification provided. Collection method: in vitro. Allele origin: not applicable. Functional consequence: retained intron. Not counted in ClinVar's aggregate classification.

Dr. Peter K. Rogan Lab, Western University
No classification provided (evidence only). Condition: Ovarian serous cystadenocarcinoma. Review status: no classification provided. Collection method: in vitro. Allele origin: not applicable. Functional consequence: retained intron. Not counted in ClinVar's aggregate classification.

Literature cited by the submitters: PubMed 16199547 (cited by Labcorp Genetics (formerly Invitae), Labcorp).

NM_006440.5(TXNRD2):c.591+1G>C

Gene: TXNRD2 (thioredoxin reductase 2; minus strand). Cytogenetic location: 22q11.21.
Variant type: single nucleotide variant.
Coding change: c.591+1G>C on transcript NM_006440.5 (MANE Select); the canonical splice donor site of the intron after coding-DNA position 591, G replaced by C.
Molecular consequence: splice donor variant.
Genome position (GRCh38, 1-based): chr22:19,915,213, C>G on the plus strand (G>C on the coding strand, the complement: TXNRD2 is on the minus strand). VCF-style: chr22-19915213-C-G. GRCh37 (hg19) VCF-style: chr22-19902736-C-G.
Other names: c.588+1G>C (NM_001352300.2); c.303+1G>C (NM_001352302.2); c.501+1G>C (NM_001352301.2); c.591+1G>C (NM_001282512.3); c.495+1G>C (NM_001352303.2).
Identifiers: ClinVar variation 666196 (VCV000666196.21), dbSNP rs200610775, ClinGen allele CA10104118.